The following is an entry in ClinVar:

ClinVar aggregate classification (germline): Pathogenic/Likely pathogenic. Review status: criteria provided, multiple submitters, no conflicts (2 of 4 stars). 3 submissions from 3 submitters: Pathogenic (2); Likely pathogenic (1). Last evaluated 2026-06-15.

Conditions:
Congenital hyperammonemia, type I. Also called: CPS I DEFICIENCY; Carbamoyl phosphate synthetase 1 deficiency; Hyperammonemia due to carbamoyl phosphate synthetase 1 deficiency; CPS 1 deficiency; Carbamyl phosphate synthetase (CPS) deficiency; Carbamoyl phosphate synthetase I deficiency disease. Identifiers: Orphanet 147, MedGen C4082171, MONDO:0009376, OMIM 237300.
Pulmonary hypertension, neonatal, susceptibility to (PHN). Identifiers: MedGen C3714958, MONDO:0014151, OMIM 615371.

Submissions (3):

Women's Health and Genetics/Laboratory Corporation of America, LabCorp
Classification: Pathogenic for Congenital hyperammonemia, type I. Last evaluated: 2026-06-15. Review status: criteria provided, single submitter. Criteria: LabCorp Variant Classification Summary - May 2015. Collection method: clinical testing. Allele origin: germline.
Comment: Variant summary: CPS1 c.1596delA (p.Val533SerfsX22) results in a premature termination codon, predicted to cause a truncation of the encoded protein or absence of the protein due to nonsense mediated decay, which are commonly known mechanisms for disease. The variant was absent in 250686 control chromosomes. To our knowledge, no occurrence of c.1596delA in individuals affected with CPS1-related conditions and no experimental evidence demonstrating its impact on protein function have been reported. ClinVar contains an entry for this variant (Variation ID: 1968039). Based on the evidence outlined above, the variant was classified as pathogenic.

Baylor Genetics
Classification: Likely pathogenic for Pulmonary hypertension, neonatal, susceptibility to. Last evaluated: 2023-05-30. Review status: criteria provided, single submitter. Criteria: ACMG Guidelines, 2015. Collection method: clinical testing. Allele origin: unknown.

Labcorp Genetics (formerly Invitae), Labcorp
Classification: Pathogenic for Congenital hyperammonemia, type I. Last evaluated: 2023-05-19. Review status: criteria provided, single submitter. Criteria: Invitae Variant Classification Sherloc (09022015). Collection method: clinical testing. Allele origin: germline.
Comment: For these reasons, this variant has been classified as Pathogenic. ClinVar contains an entry for this variant (Variation ID: 1968039). This variant has not been reported in the literature in individuals affected with CPS1-related conditions. This variant is not present in population databases (gnomAD no frequency). This sequence change creates a premature translational stop signal (p.Val533Serfs*22) in the CPS1 gene. It is expected to result in an absent or disrupted protein product. Loss-of-function variants in CPS1 are known to be pathogenic (PMID: 21120950).

Literature cited by the submitters: PubMed 21120950 (cited by Labcorp Genetics (formerly Invitae), Labcorp).

NM_001875.5(CPS1):c.1596del (p.Val533fs)

Gene: CPS1 (carbamoyl-phosphate synthase 1; plus strand). Cytogenetic location: 2q34.
Variant type: Deletion.
Coding change: c.1596del on transcript NM_001875.5 (MANE Select); coding-DNA position 1596, one base deleted (A; older notation c.1596delA).
Protein change: p.Val533fs; shifts the reading frame from valine 533.
Molecular consequence: frameshift variant. On other transcripts: non-coding transcript variant (2).
Genome position (GRCh38, 1-based): chr2:210,600,601, A deleted; the last of 3 consecutive A bases (chr2:210,600,599-210,600,601); deleting any one gives the same sequence. VCF-style (leftmost placement, unchanged base first): chr2-210600598-GA-G. GRCh37 (hg19) VCF-style: chr2-211465322-GA-G.
Other names: c.1596del, p.Val533fs (NM_001122633.3, NM_001369257.1); c.1629del, p.Val544fs (NM_001369256.1); c.1596delA (NM_001875.5); short protein forms V544fs, V533fs.
Identifiers: ClinVar variation 1968039 (VCV001968039.7), dbSNP rs1698686080, ClinGen allele CA1041899063.